The following is an entry in ClinVar:

ClinVar aggregate classification (germline): Uncertain significance. Review status: criteria provided, multiple submitters, no conflicts (2 of 4 stars). 2 submissions from 2 submitters: Uncertain significance (2). Last evaluated 2024-04-29.

Conditions:
Familial thoracic aortic aneurysm and aortic dissection (TAAD). Also called: Thoracic aortic aneurysms and dissections. Identifiers: Orphanet 91387, MedGen C4707243, MONDO:0019625.

Allele frequency attached by ClinVar (database versions not stated): TOPMed below 0.00001.

Submissions (2):

GeneDx
Classification: Uncertain significance. Last evaluated: 2024-04-29. Review status: criteria provided, single submitter. Criteria: GeneDx Variant Classification Process June 2021. Collection method: clinical testing. Allele origin: germline.
Comment: Has not been previously published as pathogenic or benign to our knowledge; Not observed at significant frequency in large population cohorts (gnomAD); In silico analysis indicates that this missense variant does not alter protein structure/function; Not located in the triple helical region, where the majority of pathogenic missense variants occur (HGMD)

Ambry Genetics
Classification: Uncertain significance for Familial thoracic aortic aneurysm and aortic dissection. Last evaluated: 2023-06-08. Review status: criteria provided, single submitter. Criteria: Ambry Variant Classification Scheme 2023. Collection method: clinical testing. Allele origin: germline.
Comment: The p.C1197S variant (also known as c.3590G>C), located in coding exon 48 of the COL3A1 gene, results from a G to C substitution at nucleotide position 3590. The cysteine at codon 1197 is replaced by serine, an amino acid with dissimilar properties. This amino acid position is not well conserved in available vertebrate species. In addition, the in silico prediction for this alteration is inconclusive. Since supporting evidence is limited at this time, the clinical significance of this alteration remains unclear.

NM_000090.4(COL3A1):c.3590G>C (p.Cys1197Ser)

Gene: COL3A1 (collagen type III alpha 1 chain; plus strand). Cytogenetic location: 2q32.2.
Variant type: single nucleotide variant.
Coding change: c.3590G>C on transcript NM_000090.4 (MANE Select); coding-DNA position 3590, G replaced by C.
Protein change: p.Cys1197Ser; replaces cysteine 1197 with serine.
Molecular consequence: missense variant.
Genome position (GRCh38, 1-based): chr2:189,008,988, G>C. VCF-style: chr2-189008988-G-C. GRCh37 (hg19) VCF-style: chr2-189873714-G-C.
Other names: short protein forms C1197S.
Identifiers: ClinVar variation 2501870 (VCV002501870.4), dbSNP rs1688658585, ClinGen allele CA349846695.
Genomic context (GRCh38, chr2:189,008,988, plus strand): 5'-CCCCAGGCCACCCAGGGCAACCAGGCCCTCCTGGACCTCCTGGTGCCCCTGGTCCTTGCT[G>C]TGGTGGTGTTGGAGCCGCTGCCATTGCTGGGATTGGAGGTGAAAAAGCTGGCGGTTTTGC-3'
Protein context (NP_000081.2, residues 1187-1207): PGPPGAPGPC[Cys1197Ser]GGVGAAAIAG